The following is an entry in ClinVar:

NM_002294.3(LAMP2):c.260A>G (p.Lys87Arg)

Gene: LAMP2 (lysosomal associated membrane protein 2; minus strand). Cytogenetic location: Xq24.
Variant type: single nucleotide variant.
Coding change: c.260A>G on transcript NM_002294.3 (MANE Select); coding-DNA position 260, A replaced by G.
Protein change: p.Lys87Arg; replaces lysine 87 with arginine.
Molecular consequence: missense variant.
Genome position (GRCh38, 1-based): chrX:120,455,494, T>C on the plus strand (A>G on the coding strand, the complement: LAMP2 is on the minus strand). VCF-style: chrX-120455494-T-C. GRCh37 (hg19) VCF-style: chrX-119589349-T-C.
Other names: c.260A>G, p.Lys87Arg (NM_001122606.1, NM_013995.2); short protein forms K87R.
Identifiers: ClinVar variation 1793766 (VCV001793766.2), dbSNP rs1556112678, ClinGen allele CA414403300.

ClinVar aggregate classification (germline): Uncertain significance (1 of 4 stars; one submission).

Conditions:
Cardiovascular phenotype. Identifiers: MedGen CN230736.

gnomAD v4.1: 1 of 1,210,684 alleles (0.000083%); highest among the groups gnomAD compares: Non-Finnish European, 0.00011%; no homozygotes.

Submission:

Ambry Genetics
Classification: Uncertain significance for Cardiovascular phenotype. Last evaluated: 2022-01-24. Review status: criteria provided, single submitter. Criteria: Ambry Variant Classification Scheme 2023. Collection method: clinical testing. Allele origin: germline.
Comment: The p.K87R variant (also known as c.260A>G), located in coding exon 3 of the LAMP2 gene, results from an A to G substitution at nucleotide position 260. The lysine at codon 87 is replaced by arginine, an amino acid with highly similar properties. This amino acid position is not well conserved in available vertebrate species. In addition, this alteration is predicted to be tolerated by in silico analysis. Since supporting evidence is limited at this time, the clinical significance of this alteration remains unclear.